The following is an entry in ClinVar:

ClinVar aggregate classification (germline): Uncertain significance (0 of 4 stars; one submission).

Conditions:
NCOA1-related disorder. Also called: NCOA1-related condition.

gnomAD v4.1: 1 of 1,614,116 alleles (0.000062%); highest among the groups gnomAD compares: Non-Finnish European, 0.000085%; no homozygotes.

Submission:

PreventionGenetics, part of Exact Sciences
Classification: Uncertain significance for NCOA1-related condition. Last evaluated: 2024-05-01. Review status: no assertion criteria provided. Collection method: clinical testing. Allele origin: germline.
Comment: The NCOA1 c.2018G>A variant is predicted to result in the amino acid substitution p.Gly673Glu. To our knowledge, this variant has not been reported in the literature or in a large population database, indicating this variant is rare. At this time, the clinical significance of this variant is uncertain due to the absence of conclusive functional and genetic evidence.

NM_003743.5(NCOA1):c.2018G>A (p.Gly673Glu)

Gene: NCOA1 (nuclear receptor coactivator 1; plus strand). Cytogenetic location: 2p23.3.
Variant type: single nucleotide variant.
Coding change: c.2018G>A on transcript NM_003743.5 (MANE Select); coding-DNA position 2018, G replaced by A.
Protein change: p.Gly673Glu; replaces glycine 673 with glutamic acid.
Molecular consequence: missense variant.
Genome position (GRCh38, 1-based): chr2:24,707,488, G>A. VCF-style: chr2-24707488-G-A. GRCh37 (hg19) VCF-style: chr2-24930357-G-A.
Other names: c.2018G>A, p.Gly673Glu (NM_001362950.1, NM_001362952.1, NM_001362954.1 and 3 more transcripts); short protein forms G673E.
Identifiers: ClinVar variation 3356042 (VCV003356042.1).